The following is an entry in ClinVar:

ClinVar aggregate classification (germline): Uncertain significance (1 of 4 stars; one submission).

Allele frequency attached by ClinVar (database versions not stated): gnomAD 0.00001 and 0.00002; TOPMed 0.00002; ExAC 0.00004; gnomAD exomes 0.00004; 1000 Genomes Project 30x 0.00016; 1000 Genomes Project 0.00020.
gnomAD v4.1: 30 of 1,612,190 alleles (0.0019%); highest among the groups gnomAD compares: Middle Eastern, 0.017%; no homozygotes.

Submission:

Labcorp Genetics (formerly Invitae), Labcorp
Classification: Uncertain significance. Last evaluated: 2023-04-28. Review status: criteria provided, single submitter. Criteria: Invitae Variant Classification Sherloc (09022015). Collection method: clinical testing. Allele origin: germline.
Comment: In summary, the available evidence is currently insufficient to determine the role of this variant in disease. Therefore, it has been classified as a Variant of Uncertain Significance. Algorithms developed to predict the effect of sequence changes on RNA splicing suggest that this variant may create or strengthen a splice site. An algorithm developed to predict the effect of missense changes on protein structure and function (PolyPhen-2) suggests that this variant is likely to be disruptive. ClinVar contains an entry for this variant (Variation ID: 1508145). This variant has not been reported in the literature in individuals affected with MYO18B-related conditions. This variant is present in population databases (rs532925728, gnomAD 0.006%). This sequence change replaces arginine, which is basic and polar, with tryptophan, which is neutral and slightly polar, at codon 825 of the MYO18B protein (p.Arg825Trp).

NM_032608.7(MYO18B):c.2473C>T (p.Arg825Trp)

Gene: MYO18B (myosin XVIIIB; plus strand). Cytogenetic location: 22q12.1.
Variant type: single nucleotide variant.
Coding change: c.2473C>T on transcript NM_032608.7 (MANE Select); coding-DNA position 2473, C replaced by T.
Protein change: p.Arg825Trp; replaces arginine 825 with tryptophan.
Molecular consequence: missense variant.
Genome position (GRCh38, 1-based): chr22:25,798,049, C>T. VCF-style: chr22-25798049-C-T. GRCh37 (hg19) VCF-style: chr22-26194016-C-T.
Other names: c.2473C>T, p.Arg825Trp (NM_001318245.2); short protein forms R825W.
Identifiers: ClinVar variation 1508145 (VCV001508145.4), dbSNP rs532925728, ClinGen allele CA10160179.